The following is an entry in ClinVar:

ClinVar aggregate classification (germline): Likely benign (1 of 4 stars; one submission).

Allele frequency attached by ClinVar (database versions not stated): gnomAD 0.00053; gnomAD exomes 0.00304.
gnomAD v4.1: 3,026 of 1,109,442 alleles (0.27%); highest among the groups gnomAD compares: Non-Finnish European, 0.32%; 149 homozygotes.

Submission:

CeGaT Center for Human Genetics Tuebingen
Classification: Likely benign. Last evaluated: 2025-11-01. Review status: criteria provided, single submitter. Criteria: CeGaT Center For Human Genetics Tuebingen Variant Classification Criteria Version 2. Collection method: clinical testing. Allele origin: germline. Affected: yes. Observed: 3 variant alleles.
Comment: DRD4: BP4, BP7, BS2

NM_000797.4(DRD4):c.822C>T (p.Cys274=)

Gene: DRD4 (dopamine receptor D4; plus strand). Cytogenetic location: 11p15.5.
Variant type: single nucleotide variant.
Coding change: c.822C>T on transcript NM_000797.4 (MANE Select); coding-DNA position 822, C replaced by T.
Protein change: p.Cys274=; no amino-acid change (cysteine 274 retained).
Molecular consequence: synonymous variant.
Genome position (GRCh38, 1-based): chr11:640,071, C>T. VCF-style: chr11-640071-C-T. GRCh37 (hg19) VCF-style: chr11-640071-C-T.
Identifiers: ClinVar variation 2641081 (VCV002641081.24), dbSNP rs780104604, ClinGen allele CA5785833.